The following is an entry in ClinVar:

NM_015040.4(PIKFYVE):c.572_573insACG (p.Cys191Ter)

Gene: PIKFYVE (phosphoinositide kinase, FYVE-type zinc finger containing; plus strand). Cytogenetic location: 2q34.
Variant type: Insertion.
Coding change: c.572_573insACG on transcript NM_015040.4 (MANE Select); coding-DNA positions 572 to 573, ACG inserted.
Protein change: p.Cys191Ter; replaces cysteine 191 with a stop codon.
Molecular consequence: nonsense. On other transcripts: intron variant (1).
Genome position: GRCh38 VCF-style: chr2-208277666-T-TGAC. GRCh37 (hg19) VCF-style: chr2-209142390-T-TGAC.
Other names: c.572_573insACG, p.Cys191Ter (NM_001178000.2); c.322+3934_322+3935insACG (NM_152671.4); short protein forms C191*.
Identifiers: ClinVar variation 4991536 (VCV004991536.1).

ClinVar aggregate classification (germline): Likely pathogenic (1 of 4 stars; one submission).

Conditions:
PIKFYVE-related disorder. Also called: PIKFYVE-related condition.

Submission:

PreventionGenetics, part of Exact Sciences
Classification: Likely pathogenic for PIKFYVE-related condition. Last evaluated: 2026-06-02. Review status: criteria provided, single submitter. Criteria: ACMG Guidelines, 2015. Collection method: clinical testing. Allele origin: germline.
Comment: The PIKFYVE c.572_573insACG variant is predicted to result in premature protein termination (p.Cys191*). To our knowledge, this variant has not been reported in the literature or in a large population database (gnomAD), indicating this variant is rare. Nonsense variants in PIKFYVE are expected to be pathogenic. This variant is interpreted as likely pathogenic.